The following is an entry in ClinVar:

ClinVar aggregate classification (germline): Conflicting classifications of pathogenicity. Review status: criteria provided, conflicting classifications (1 of 4 stars). 8 submissions from 8 submitters: Likely pathogenic (7); Uncertain significance (1). Last evaluated 2025-07-15.

Conditions:
Hereditary nonpolyposis colon cancer (HNPCC). Also called: Hereditary nonpolyposis colorectal cancer; Familial nonpolyposis colon cancer; Hereditary Nonpolyposis Colorectal Cancer Syndrome. Identifiers: Orphanet 443909, MedGen C1333990, MONDO:0018630. Disease mechanism: loss of function.
Lynch syndrome. Identifiers: Orphanet 144, MedGen C4552100, MONDO:0005835. Disease mechanism: loss of function.
Hereditary nonpolyposis colorectal neoplasms. Identifiers: MedGen C0009405, MeSH D003123.
Hereditary cancer-predisposing syndrome. Also called: Neoplastic Syndromes, Hereditary; Tumor predisposition; Hereditary Cancer Syndrome; Hereditary neoplastic syndrome. Identifiers: Orphanet 140162, MedGen C0027672, MeSH D009386, MONDO:0015356.

Submissions (8):

Quest Diagnostics Nichols Institute San Juan Capistrano
Classification: Likely pathogenic. Last evaluated: 2025-07-15. Review status: criteria provided, single submitter. Criteria: Quest Diagnostics criteria. Collection method: clinical testing. Allele origin: unknown.
Comment: The MSH6 c.3732_3734del (p.Leu1244del) variant has been seen in individuals with Lynch syndrome associated cancers (internal data, personal communication with Ambry Genetics, GeneDx regarding ClinVar ID: 231746). This variant has not been reported in large, multi-ethnic general populations (Genome Aggregation Database). Based on the available information, this variant is classified as likely pathogenic.

Labcorp Genetics (formerly Invitae), Labcorp
Classification: Likely pathogenic for Hereditary nonpolyposis colorectal neoplasms. Last evaluated: 2025-06-22. Review status: criteria provided, single submitter. Criteria: Invitae Variant Classification Sherloc (09022015). Collection method: clinical testing. Allele origin: germline.
Comment: This variant, c.3732_3734del, results in the deletion of 1 amino acid(s) of the MSH6 protein (p.Leu1244del), but otherwise preserves the integrity of the reading frame. This variant is not present in population databases (gnomAD no frequency). This variant has been observed in individuals with Lynch syndrome-related cancers (external communication, internal data). It has also been observed to segregate with disease in related individuals. ClinVar contains an entry for this variant (Variation ID: 231746). Experimental studies and prediction algorithms are not available or were not evaluated, and the functional significance of this variant is currently unknown. In summary, the currently available evidence indicates that the variant is pathogenic, but additional data are needed to prove that conclusively. Therefore, this variant has been classified as Likely Pathogenic.

Women's Health and Genetics/Laboratory Corporation of America, LabCorp
Classification: Likely pathogenic for Hereditary nonpolyposis colon cancer. Last evaluated: 2024-12-20. Review status: criteria provided, single submitter. Criteria: LabCorp Variant Classification Summary - May 2015. Collection method: clinical testing. Allele origin: germline.
Comment: Variant summary: MSH6 c.3732_3734delATT (p.Leu1244del) results in an in-frame deletion that is predicted to remove one amino acid from the ATPase domain of the encoded protein. The variant was absent in 251206 control chromosomes. c.3732_3734delATT has been observed in individuals with a personal and family history of Lynch Syndrome/Hereditary Nonpolyposis Colorectal Cancer (personal correspondence, partner laboratory). These data indicate that the variant is likely to be associated with disease. To our knowledge, no experimental evidence demonstrating an impact on protein function has been reported. ClinVar contains an entry for this variant (Variation ID: 231746). Based on the evidence outlined above, the variant was classified as likely pathogenic.

Ambry Genetics
Classification: Likely pathogenic for Hereditary cancer-predisposing syndrome. Last evaluated: 2024-12-19. Review status: criteria provided, single submitter. Criteria: Ambry Variant Classification Scheme 2023. Collection method: clinical testing. Allele origin: germline.
Comment: The c.3732_3734delATT variant (also known as p.L1244del) is located in coding exon 8 of the MSH6 gene. This variant results from an in-frame ATT deletion between nucleotide positions 3732 and 3734 and a deletion of the leucine at codon 1244. This alteration has been identified in multiple families who meet Amsterdam Criteria for Lynch Syndrome and it segregates with disease in these families (Ambry internal data). Based on internal structural assessment, this alteration disrupts the structure of the ATPase domain (Warren JJ et al. Mol. Cell. 2007 May;26:579-92; Ambry internal data). This amino acid position is highly conserved in available vertebrate species. This variant is considered to be rare based on population cohorts in the Genome Aggregation Database (gnomAD). In addition, this alteration is predicted to be deleterious by in silico analysis (Choi Y et al. PLoS ONE. 2012; 7(10):e46688). Based on the majority of available evidence to date, this variant is likely to be pathogenic.

GeneDx
Classification: Likely pathogenic. Last evaluated: 2024-06-17. Review status: criteria provided, single submitter. Criteria: GeneDx Variant Classification Process June 2021. Collection method: clinical testing. Allele origin: germline. Affected: yes.
Comment: In-frame deletion of 1 amino acid in a non-repeat region; In silico analysis supports a deleterious effect on protein structure/function; Not observed at significant frequency in large population cohorts (gnomAD); Has not been previously published as pathogenic or benign to our knowledge; This variant is associated with the following publications: (PMID: 17531815, 21120944)

Color Diagnostics, LLC DBA Color Health
Classification: Likely pathogenic for Hereditary cancer-predisposing syndrome. Last evaluated: 2023-08-23. Review status: criteria provided, single submitter. Criteria: ACMG Guidelines, 2015. Collection method: clinical testing. Allele origin: germline.
Comment: This variant causes an in-frame deletion of one amino acid located in the ATPase domain of the MSH6 protein. To our knowledge, functional studies have not been reported for this variant. This variant has been reported in multiple individuals affected with Lynch syndrome (ClinVar SCV000750673.6, SCV000275689.6). It has been shown that this variant segregates with disease (communication with an external laboratory; ClinVar SCV000275689.6). This variant has not been identified in the general population by the Genome Aggregation Database (gnomAD). Based on the available evidence, this variant is classified as Likely Pathogenic.

All of Us Research Program, National Institutes of Health
Classification: Likely pathogenic for Lynch syndrome. Last evaluated: 2023-06-20. Review status: criteria provided, single submitter. Criteria: ACMG Guidelines, 2015. Collection method: clinical testing. Allele origin: germline. Inheritance: Autosomal dominant inheritance. Observed: 1 variant allele, 1 heterozygote.
Comment: This variant has been reported in multiple individuals with Lynch Syndrome (Ambry, Invitae internal data listed in ClinVar). This variant is located in a well-established functional domain of the protein where other pathogenic or likely pathogenic variants have been described. (PMID: 17531815) This variant is absent from or rare in large population databases, including the Genome Aggregation Database. This variant has been reported to co-segregate with disease in more than one family (Ambry, Invitae internal data).

This study involves interpretation of variants in research participants for the purpose of population health screening. Participant phenotype was not available at the time of variant classification. Additional details can be found in publication PMID: 35346344, PMCID: PMC8962531

ARUP Laboratories, Molecular Genetics and Genomics, ARUP Laboratories
Classification: Uncertain significance. Last evaluated: 2020-11-17. Review status: criteria provided, single submitter. Criteria: ARUP Molecular Germline Variant Investigation Process 2021. Collection method: clinical testing. Allele origin: germline.
Comment: The MSH6 c.3732_3734delATT; p.Leu1244del variant (rs876658650), to our knowledge, is not reported in the medical literature but is reported in ClinVar (Variation ID: 231746). However, a nearby in-frame deletion, p.Arg1242del has been reported in individuals with colon cancer and has been classified likely pathogenic by the InSIGHT expert panel (Thompson 2014). The c.3732_3734delATT variant is absent from general population databases (Exome Variant Server, Genome Aggregation Database), indicating it is not a common polymorphism. This variant deletes a single leucine residue leaving the rest of the protein in-frame. Due to limited information, the clinical significance of the c.3732_3734delATT; p.Leu1244de variant is uncertain at this time.

Literature cited by the submitters: PubMed 17531815 (cited by 3 submitters); PubMed 21120944 (cited by Quest Diagnostics Nichols Institute San Juan Capistrano).

NM_000179.3(MSH6):c.3729ATT[1] (p.Leu1244del)

Gene: MSH6 (mutS homolog 6; plus strand). Cytogenetic location: 2p16.3.
Variant type: Microsatellite.
Coding change: c.3729ATT[1] on transcript NM_000179.3 (MANE Select); one copy of the 3-base unit ATT starting at c.3729; the reference has two copies in a row; one copy, 3 bases deleted; also written c.3732_3734del.
Protein change: p.Leu1244del; deletes leucine 1244.
Molecular consequence: inframe deletion.
Genome position (GRCh38, 1-based): chr2:47,806,289-47,806,291, ATT deleted; deleting any 3 consecutive bases within chr2:47,806,286-47,806,291 gives the same sequence; the position shown is the placement nearest the transcript's 3' end. VCF-style (leftmost placement, unchanged base first): chr2-47806285-CATT-C. GRCh37 (hg19) VCF-style: chr2-48033424-CATT-C.
Other names: c.3339ATT[1], p.Leu1114del (NM_001281492.2); c.2823ATT[1], p.Leu942del (NM_001281493.2, NM_001281494.2); c.3732_3734delATT (NM_000179.2, NM_000179.3); c.3732_3734del (NM_000179.3); short protein forms L1244del, L1114del, L942del.
Identifiers: ClinVar variation 231746 (VCV000231746.32), dbSNP rs876658650, ClinGen allele CA10578157.